The following is an entry in ClinVar:

ClinVar aggregate classification (germline): Conflicting classifications of pathogenicity. Review status: criteria provided, conflicting classifications (1 of 4 stars). 3 submissions from 3 submitters: Pathogenic (1); Uncertain significance (2). Last evaluated 2025-05-01.

Conditions:
Leukodystrophy, hypomyelinating, 8, with or without oligodontia and/or hypogonadotropic hypogonadism. Also called: Endosteal sclerosis-cerebellar hypoplasia syndrome; Hypomyelinating leukodystrophy 8 with or without oligodontia and-or hypogonadotropic hypogonadism; LEUKODYSTROPHY, HYPOMYELINATING, 8, WITH HYPODONTIA AND HYPOGONADOTROPIC HYPOGONADISM. Identifiers: Orphanet 85186, Orphanet 88637, MedGen C3280644, MONDO:0013722, OMIM 614381.

Allele frequency attached by ClinVar (database versions not stated): ExAC 0.00002.
gnomAD v4.1: 22 of 1,613,434 alleles (0.0014%); highest among the groups gnomAD compares: African/African-American, 0.0093%; no homozygotes.

Submissions (3):

Broad Center for Mendelian Genomics, Broad Institute of MIT and Harvard
Classification: Uncertain significance for Leukodystrophy, hypomyelinating, 8, with or without oligodontia and/or hypogonadotropic hypogonadism. Last evaluated: 2025-05-01. Review status: criteria provided, single submitter. Criteria: ACMG Guidelines, 2015. Collection method: curation. Allele origin: germline. Inheritance: Autosomal recessive inheritance.
Comment: The p.Arg890His variant in POLR3B has been reported in 2 affected siblings with 4H leukodystrophy (PMID: 31577365), and has been identified in 0.009% (7/74908) of African/African American chromosomes by the Genome Aggregation Database (gnomAD; dbSNP ID: rs1228870515). Although this variant has been seen in the general population in a heterozygous state, its frequency is low enough to be consistent with a recessive carrier frequency. This variant has also been reported in ClinVar (VCV002172134.3) and has been interpreted as pathogenic by Labcorp Genetics. Computational prediction tools and conservation analyses suggest that this variant may impact the protein, though this information is not predictive enough to determine pathogenicity. The number of missense variants reported in POLR3B in the general population is lower than expected, suggesting there is little benign variation in this gene and slightly increasing the possibility that a missense variant in this gene may not be tolerated. In summary, the clinical significance of the p.Arg890His variant is uncertain. ACMG/AMP Criteria applied. ACMG/AMP Criteria applied: PP3, PP2, PM2_supporting (Richards 2015).

Labcorp Genetics (formerly Invitae), Labcorp
Classification: Pathogenic. Last evaluated: 2025-04-03. Review status: criteria provided, single submitter. Criteria: Invitae Variant Classification Sherloc (09022015). Collection method: clinical testing. Allele origin: germline.
Comment: This sequence change replaces arginine, which is basic and polar, with histidine, which is basic and polar, at codon 890 of the POLR3B protein (p.Arg890His). This variant is present in population databases (rs750694928, gnomAD 0.008%). This missense change has been observed in individual(s) with autosomal recessive POLR3B-related leukodystrophy (PMID: 31577365; internal data). In at least one individual the data is consistent with being in trans (on the opposite chromosome) from a pathogenic variant. It has also been observed to segregate with disease in related individuals. ClinVar contains an entry for this variant (Variation ID: 2172134). Invitae Evidence Modeling of protein sequence and biophysical properties (such as structural, functional, and spatial information, amino acid conservation, physicochemical variation, residue mobility, and thermodynamic stability) indicates that this missense variant is expected to disrupt POLR3B protein function with a positive predictive value of 80%. For these reasons, this variant has been classified as Pathogenic.

Blueprint Genetics
Classification: Uncertain significance. Last evaluated: 2024-09-06. Review status: criteria provided, single submitter. Criteria: ACMG Guidelines, 2015. Collection method: clinical testing. Allele origin: germline.

Literature cited by the submitters: PubMed 31577365 (cited by Broad Center for Mendelian Genomics, Broad Institute of MIT and Harvard and Labcorp Genetics (formerly Invitae), Labcorp).

NM_018082.6(POLR3B):c.2669G>A (p.Arg890His)

Gene: POLR3B (RNA polymerase III subunit B; plus strand). Cytogenetic location: 12q23.3.
Variant type: single nucleotide variant.
Coding change: c.2669G>A on transcript NM_018082.6 (MANE Select); coding-DNA position 2669, G replaced by A.
Protein change: p.Arg890His; replaces arginine 890 with histidine.
Molecular consequence: missense variant.
Genome position (GRCh38, 1-based): chr12:106,463,576, G>A. VCF-style: chr12-106463576-G-A. GRCh37 (hg19) VCF-style: chr12-106857354-G-A.
Other names: NM_018082.6(POLR3B):c.2669G>A; p.Arg890His; c.2495G>A, p.Arg832His (NM_001160708.2); short protein forms R832H, R890H.
Identifiers: ClinVar variation 2172134 (VCV002172134.6), dbSNP rs750694928, ClinGen allele CA6762249.